The following is an entry in ClinVar:

ClinVar aggregate classification (germline): Likely pathogenic. Review status: criteria provided, multiple submitters, no conflicts (2 of 4 stars). 4 submissions from 4 submitters: Likely pathogenic (3). 1 of the submissions does not count toward it. Last evaluated 2024-03-17.

Conditions:
Finnish congenital nephrotic syndrome (NPHS1). Also called: NEPHROTIC SYNDROME, TYPE 1. Identifiers: Orphanet 839, MedGen C0403399, MONDO:0009732, OMIM 256300.

Allele frequency attached by ClinVar (database versions not stated): TOPMed 0.00002.

Submissions (4):

Labcorp Genetics (formerly Invitae), Labcorp
Classification: Likely pathogenic. Last evaluated: 2024-03-17. Review status: criteria provided, single submitter. Criteria: Invitae Variant Classification Sherloc (09022015). Collection method: clinical testing. Allele origin: germline.
Comment: This sequence change affects an acceptor splice site in intron 3 of the NPHS1 gene. It is expected to disrupt RNA splicing. Variants that disrupt the donor or acceptor splice site typically lead to a loss of protein function (PMID: 16199547), and loss-of-function variants in NPHS1 are known to be pathogenic (PMID: 11317351, 11854170, 12039988). This variant is not present in population databases (gnomAD no frequency). Disruption of this splice site has been observed in individual(s) with steroid-resistant nephrotic syndrome (PMID: 25349199). ClinVar contains an entry for this variant (Variation ID: 56504). Algorithms developed to predict the effect of sequence changes on RNA splicing suggest that this variant may disrupt the consensus splice site. In summary, the currently available evidence indicates that the variant is pathogenic, but additional data are needed to prove that conclusively. Therefore, this variant has been classified as Likely Pathogenic.

Fulgent Genetics
Classification: Likely pathogenic for Finnish congenital nephrotic syndrome. Last evaluated: 2024-03-07. Review status: criteria provided, single submitter. Criteria: ACMG Guidelines, 2015. Collection method: clinical testing. Allele origin: germline.

Myriad Genetics, Inc.
Classification: Likely pathogenic for Finnish congenital nephrotic syndrome. Last evaluated: 2021-11-15. Review status: criteria provided, single submitter. Criteria: Myriad Women's Health Autosomal Recessive and X-Linked Classification Criteria (2021). Collection method: clinical testing. Allele origin: unknown.
Comment: NM_004646.3(NPHS1):c.398-1G>A is a canonical splice variant classified as likely pathogenic in the context of nephrotic syndrome, NPHS1-related. c.398-1G>A has been observed in cases with relevant disease (PMID: 25349199). Functional assessments of this variant are not available in the literature. c.398-1G>A has not been observed in population frequency databases. In summary, NM_004646.3(NPHS1):c.398-1G>A is a canonical splice variant that has been observed more frequently in cases with the relevant disease than in healthy populations. Please note: this variant was assessed in the context of healthy population screening.

Juha Muilu Group; Institute for Molecular Medicine Finland (FIMM)
Classification: Likely pathogenic for Finnish congenital nephrotic syndrome. Review status: no assertion criteria provided. Collection method: not provided. Allele origin: unknown. Not counted in ClinVar's aggregate classification.
Comment: FinDis database variant: FinDis database variant: This variant was not found or characterized by our laboratory, data were collected from public sources: see reference
ClinVar note: Converted during submission from probable-pathogenic to Likely pathogenic.

Literature cited by the submitters: PubMed 16199547 (cited by Labcorp Genetics (formerly Invitae), Labcorp); PubMed 11317351 (cited by Labcorp Genetics (formerly Invitae), Labcorp); PubMed 11854170 (cited by Labcorp Genetics (formerly Invitae), Labcorp); PubMed 12039988 (cited by Labcorp Genetics (formerly Invitae), Labcorp); PubMed 25349199 (cited by Labcorp Genetics (formerly Invitae), Labcorp and Myriad Genetics, Inc.).

NM_004646.4(NPHS1):c.398-1G>A

Gene: NPHS1 (NPHS1 adhesion molecule, nephrin; minus strand). Cytogenetic location: 19q13.12.
Variant type: single nucleotide variant.
Coding change: c.398-1G>A on transcript NM_004646.4 (MANE Select); the canonical splice acceptor site of the intron before coding-DNA position 398, G replaced by A.
Molecular consequence: splice acceptor variant.
Genome position (GRCh38, 1-based): chr19:35,851,090, C>T on the plus strand (G>A on the coding strand, the complement: NPHS1 is on the minus strand). VCF-style: chr19-35851090-C-T. GRCh37 (hg19) VCF-style: chr19-36341992-C-T.
Identifiers: ClinVar variation 56504 (VCV000056504.11), dbSNP rs386833942, ClinGen allele CA250236.
Genomic context (GRCh38, chr19:35,851,090, plus strand): 5'-CAGCTACCCAGGTGACCATGGTGCCTGCCTCTGGGGTCAGCAGGAGCAGCTTGGGAGGAA[C>T]TGGTGAGAGAAGGGTCTGGGGTAAGCTTCCAGCACTGAGAAGGACTTGAAGATTGGAGTT-3'